The following is an entry in ClinVar:

ClinVar aggregate classification (germline): Uncertain significance (1 of 4 stars; one submission).

Submission:

Greenwood Genetic Center Diagnostic Laboratories, Greenwood Genetic Center
Classification: Uncertain significance. Last evaluated: 2021-05-14. Review status: criteria provided, single submitter. Criteria: ACMG Guidelines, 2015. Collection method: clinical testing. Allele origin: germline. Affected: yes.
Comment: PM2

NM_003179.3(SYP):c.583G>A (p.Asp195Asn)

Gene: SYP (synaptophysin; minus strand). Cytogenetic location: Xp11.23.
Variant type: single nucleotide variant.
Coding change: c.583G>A on transcript NM_003179.3 (MANE Select); coding-DNA position 583, G replaced by A.
Protein change: p.Asp195Asn; replaces aspartic acid 195 with asparagine.
Molecular consequence: missense variant.
Genome position (GRCh38, 1-based): chrX:49,193,304, C>T on the plus strand (G>A on the coding strand, the complement: SYP is on the minus strand). VCF-style: chrX-49193304-C-T. GRCh37 (hg19) VCF-style: chrX-49049761-C-T.
Other names: short protein forms D195N.
Identifiers: ClinVar variation 1334758 (VCV001334758.4), dbSNP rs2147882149, ClinGen allele CA412952576.
Genomic context (GRCh38, chrX:49,193,304, plus strand): 5'-CCTCCTCCAGCCAGCACCCAGGGCTTACCACCGAGGTGTTGAGTCCCGAGGTCACAGGGT[C>T]TCTCAGCTCCTTGCATGTGTTCCCTGTCTGGCGGCAGACAGGCATCTCCTTGATAATGTT-3'
Protein context (NP_003170.1, residues 185-205): QTGNTCKELR[Asp195Asn]PVTSGLNTSV